The following is an entry in ClinVar:

NM_024675.4(PALB2):c.758_759insG (p.Ser254fs)

Gene: PALB2 (partner and localizer of BRCA2; minus strand). Cytogenetic location: 16p12.2.
Variant type: Insertion.
Coding change: c.758_759insG on transcript NM_024675.4 (MANE Select); coding-DNA positions 758 to 759, G inserted.
Protein change: p.Ser254fs; shifts the reading frame from serine 254.
Molecular consequence: frameshift variant.
Genome position: GRCh38 VCF-style: chr16-23635787-T-TC. GRCh37 (hg19) VCF-style: chr16-23647108-T-TC.
Other names: short protein forms S254fs.
Identifiers: ClinVar variation 1452073 (VCV001452073.9), dbSNP rs2142435343, ClinGen allele CA2573152209.
Genomic context (GRCh38, chr16:23,635,787, plus strand): 5'-AAGTTCACTGCTACCTTTAGGAGGAATGTGTTCAAGGTGCTGACTACTACCGCTATCTGA[T>TC]AGAGTCTGTAAAGGAACTGTAGTCGCCCTGGTGAAATTAGGTCTTCTTAGGAATGTATCA-3'

ClinVar aggregate classification (germline): Pathogenic (1 of 4 stars; one submission).

Conditions:
Familial cancer of breast. Also called: Hereditary breast cancer; hereditary breast carcinoma; BREAST CANCER, FAMILIAL. Identifiers: Orphanet 227535, MedGen C0346153, MONDO:0016419, OMIM 114480. Disease mechanism: loss of function.

Submission:

Labcorp Genetics (formerly Invitae), Labcorp
Classification: Pathogenic for Familial cancer of breast. Last evaluated: 2021-05-12. Review status: criteria provided, single submitter. Criteria: Invitae Variant Classification Sherloc (09022015). Collection method: clinical testing. Allele origin: germline.
Comment: For these reasons, this variant has been classified as Pathogenic. This frameshift change has been observed in individual(s) with breast or ovarian cancer (PMID: 21932393, 23824750, 24448499, 26283626). This variant is not present in population databases (ExAC no frequency). This sequence change creates a premature translational stop signal (p.Ser254Ilefs*3) in the PALB2 gene. It is expected to result in an absent or disrupted protein product. Loss-of-function variants in PALB2 are known to be pathogenic (PMID: 17200668, 24136930, 25099575).

Literature cited by the submitters: PubMed 21932393; PubMed 23824750; PubMed 24448499; PubMed 26283626; PubMed 17200668; PubMed 24136930; PubMed 25099575.